The following is an entry in ClinVar:

ClinVar aggregate classification (germline): Uncertain significance. Review status: criteria provided, multiple submitters, no conflicts (2 of 4 stars). 2 submissions from 2 submitters: Uncertain significance (2). Last evaluated 2025-02-26.

Conditions:
Bloom syndrome (BLM). Also called: Bloom-Torre-Machacek syndrome. Identifiers: Orphanet 125, MedGen C0005859, MONDO:0008876, OMIM 210900.
Hereditary cancer-predisposing syndrome. Also called: Tumor predisposition; Hereditary Cancer Syndrome; Hereditary neoplastic syndrome; Neoplastic Syndromes, Hereditary. Identifiers: Orphanet 140162, MedGen C0027672, MeSH D009386, MONDO:0015356.

Submissions (2):

Ambry Genetics
Classification: Uncertain significance for Hereditary cancer-predisposing syndrome. Last evaluated: 2025-02-26. Review status: criteria provided, single submitter. Criteria: Ambry Variant Classification Scheme 2023. Collection method: clinical testing. Allele origin: germline.
Comment: The p.G1183S variant (also known as c.3547G>A), located in coding exon 17 of the BLM gene, results from a G to A substitution at nucleotide position 3547. The glycine at codon 1183 is replaced by serine, an amino acid with similar properties. This amino acid position is conserved. In addition, this alteration is predicted to be deleterious by in silico analysis. Based on the available evidence, the clinical significance of this variant remains unclear.

Labcorp Genetics (formerly Invitae), Labcorp
Classification: Uncertain significance for Bloom syndrome. Last evaluated: 2024-06-23. Review status: criteria provided, single submitter. Criteria: Invitae Variant Classification Sherloc (09022015). Collection method: clinical testing. Allele origin: germline.
Comment: This sequence change replaces glycine, which is neutral and non-polar, with serine, which is neutral and polar, at codon 1183 of the BLM protein (p.Gly1183Ser). This variant is not present in population databases (gnomAD no frequency). This variant has not been reported in the literature in individuals affected with BLM-related conditions. Advanced modeling of protein sequence and biophysical properties (such as structural, functional, and spatial information, amino acid conservation, physicochemical variation, residue mobility, and thermodynamic stability) performed at Invitae indicates that this missense variant is not expected to disrupt BLM protein function with a negative predictive value of 80%. In summary, the available evidence is currently insufficient to determine the role of this variant in disease. Therefore, it has been classified as a Variant of Uncertain Significance.

NM_000057.4(BLM):c.3547G>A (p.Gly1183Ser)

Gene: BLM (BLM RecQ like helicase; plus strand). Cytogenetic location: 15q26.1.
Variant type: single nucleotide variant.
Coding change: c.3547G>A on transcript NM_000057.4 (MANE Select); coding-DNA position 3547, G replaced by A.
Protein change: p.Gly1183Ser; replaces glycine 1183 with serine.
Molecular consequence: missense variant. On other transcripts: intron variant (1).
Genome position (GRCh38, 1-based): chr15:90,803,709, G>A. VCF-style: chr15-90803709-G-A. GRCh37 (hg19) VCF-style: chr15-91346939-G-A.
Other names: c.3547G>A, p.Gly1183Ser (NM_001287246.2); c.2422G>A, p.Gly808Ser (NM_001287248.2); c.3358+5372G>A (NM_001287247.2); short protein forms G808S, G1183S.
Identifiers: ClinVar variation 3716739 (VCV003716739.3).
Genomic context (GRCh38, chr15:90,803,709, plus strand): 5'-GCCAATGACCAGGCGATCGCTTATGTGATGCTCGGAAATAAAGCCCAAACTGTACTAAAT[G>A]GCAATTTAAAGGTATAGTATTTTTCATGTTTATTTTATTATCTCACAATGAGTGAACCAA-3'
Protein context (NP_000048.1, residues 1173-1193): LGNKAQTVLN[Gly1183Ser]NLKVDFMETE